The following is an entry in ClinVar:

NM_000273.3(GPR143):c.1088C>A (p.Thr363Asn)

Gene: GPR143 (G protein-coupled receptor 143; minus strand). Cytogenetic location: Xp22.2.
Variant type: single nucleotide variant.
Coding change: c.1088C>A on transcript NM_000273.3 (MANE Select); coding-DNA position 1088, C replaced by A.
Protein change: p.Thr363Asn; replaces threonine 363 with asparagine.
Molecular consequence: missense variant.
Genome position (GRCh38, 1-based): chrX:9,739,517, G>T on the plus strand (C>A on the coding strand, the complement: GPR143 is on the minus strand). VCF-style: chrX-9739517-G-T. GRCh37 (hg19) VCF-style: chrX-9707557-G-T.
Other names: short protein forms T363N.
Identifiers: ClinVar variation 1364443 (VCV001364443.8), dbSNP rs1423371035, ClinGen allele CA411994731.
Genomic context (GRCh38, chrX:9,739,517, plus strand): 5'-CTACCTGCTGTGGCAGACAGGGCATTACCTTCAGACAGCATGCTCAGGGCTTCGTCAGAA[G>T]TCTGCCCACCCACTTGAGACACCTTCCCGGAAGCAGGGTTTTCATGGGGCATCAGTGGGG-3'
Protein context (NP_000264.2, residues 353-373): SGKVSQVGGQ[Thr363Asn]SDEALSMLSE

ClinVar aggregate classification (germline): Uncertain significance (1 of 4 stars; one submission).

Allele frequency attached by ClinVar (database versions not stated): gnomAD exomes below 0.00001 and 0.00001; TOPMed 0.00001; gnomAD 0.00003.
gnomAD v4.1: 4 of 1,207,717 alleles (0.00033%); highest among the groups gnomAD compares: Admixed American, 0.0087%; no homozygotes.

Submission:

Labcorp Genetics (formerly Invitae), Labcorp
Classification: Uncertain significance. Last evaluated: 2023-08-14. Review status: criteria provided, single submitter. Criteria: Invitae Variant Classification Sherloc (09022015). Collection method: clinical testing. Allele origin: germline.
Comment: The frequency data for this variant in the population databases is considered unreliable, as metrics indicate poor data quality at this position in the gnomAD database. This sequence change replaces threonine, which is neutral and polar, with asparagine, which is neutral and polar, at codon 363 of the GPR143 protein (p.Thr363Asn). This variant has not been reported in the literature in individuals affected with GPR143-related conditions. In summary, the available evidence is currently insufficient to determine the role of this variant in disease. Therefore, it has been classified as a Variant of Uncertain Significance. Advanced modeling of protein sequence and biophysical properties (such as structural, functional, and spatial information, amino acid conservation, physicochemical variation, residue mobility, and thermodynamic stability) performed at Invitae indicates that this missense variant is not expected to disrupt GPR143 protein function. ClinVar contains an entry for this variant (Variation ID: 1364443).